The following is an entry in ClinVar:

NM_004380.3(CREBBP):c.3091C>G (p.Gln1031Glu)

Gene: CREBBP (CREB binding protein; minus strand). Cytogenetic location: 16p13.3.
Variant type: single nucleotide variant.
Coding change: c.3091C>G on transcript NM_004380.3 (MANE Select); coding-DNA position 3091, C replaced by G.
Protein change: p.Gln1031Glu; replaces glutamine 1031 with glutamic acid.
Molecular consequence: missense variant.
Genome position (GRCh38, 1-based): chr16:3,767,879, G>C on the plus strand (C>G on the coding strand, the complement: CREBBP is on the minus strand). VCF-style: chr16-3767879-G-C. GRCh37 (hg19) VCF-style: chr16-3817880-G-C.
Other names: c.2977C>G, p.Gln993Glu (NM_001079846.1); short protein forms Q1031E, Q993E.
Identifiers: ClinVar variation 1302286 (VCV001302286.4), dbSNP rs2052895796, ClinGen allele CA394571028.

ClinVar aggregate classification (germline): Uncertain significance. Review status: criteria provided, multiple submitters, no conflicts (2 of 4 stars). 2 submissions from 2 submitters: Uncertain significance (2). Last evaluated 2019-07-05.

Conditions:
Inborn genetic diseases. Identifiers: MedGen C0950123, MeSH D030342.

Allele frequency attached by ClinVar (database versions not stated): TOPMed 0.00001.

Submissions (2):

GeneDx
Classification: Uncertain significance. Last evaluated: 2019-07-05. Review status: criteria provided, single submitter. Criteria: GeneDx Variant Classification Process June 2021. Collection method: clinical testing. Allele origin: germline. Affected: yes.
Comment: Not observed in large population cohorts (Lek et al., 2016); In silico analysis, which includes protein predictors and evolutionary conservation, supports that this variant does not alter protein structure/function; Has not been previously published as pathogenic or benign to our knowledge

Ambry Genetics
Classification: Uncertain significance for Inborn genetic diseases. Last evaluated: 2017-12-07. Review status: criteria provided, single submitter. Criteria: Ambry Variant Classification Scheme 2023. Collection method: clinical testing. Allele origin: germline.
Comment: The p.Q1031E variant (also known as c.3091C>G), located in coding exon 16 of the CREBBP gene, results from a C to G substitution at nucleotide position 3091. The glutamine at codon 1031 is replaced by glutamic acid, an amino acid with highly similar properties. This amino acid position is well conserved in available vertebrate species. In addition, the in silico prediction for this alteration is inconclusive. Since supporting evidence is limited at this time, the clinical significance of this alteration remains unclear.